The following is an entry in ClinVar:

NM_001376.5(DYNC1H1):c.1591A>G (p.Lys531Glu)

Gene: DYNC1H1 (dynein cytoplasmic 1 heavy chain 1; plus strand). Cytogenetic location: 14q32.31.
Variant type: single nucleotide variant.
Coding change: c.1591A>G on transcript NM_001376.5 (MANE Select); coding-DNA position 1591, A replaced by G.
Protein change: p.Lys531Glu; replaces lysine 531 with glutamic acid.
Molecular consequence: missense variant.
Genome position (GRCh38, 1-based): chr14:101,985,816, A>G. VCF-style: chr14-101985816-A-G. GRCh37 (hg19) VCF-style: chr14-102452153-A-G.
Other names: short protein forms K531E.
Identifiers: ClinVar variation 4802033 (VCV004802033.1).

ClinVar aggregate classification (germline): Uncertain significance (1 of 4 stars; one submission).

Conditions:
Charcot-Marie-Tooth disease axonal type 2O. Also called: CHARCOT-MARIE-TOOTH NEUROPATHY, AXONAL, TYPE 2O; CHARCOT-MARIE-TOOTH DISEASE, AXONAL, AUTOSOMAL DOMINANT, TYPE 2O; Charcot-Marie-Tooth Neuropathy Type 2O; Charcot-Marie-Tooth disease, axonal, type 20. Identifiers: Orphanet 284232, MedGen C3280220, MONDO:0013644, OMIM 614228.

gnomAD v4.1: 1 of 1,614,044 alleles (0.000062%); no homozygotes.

Submission:

Labcorp Genetics (formerly Invitae), Labcorp
Classification: Uncertain significance for Charcot-Marie-Tooth disease axonal type 2O. Last evaluated: 2025-02-06. Review status: criteria provided, single submitter. Criteria: Invitae Variant Classification Sherloc (09022015). Collection method: clinical testing. Allele origin: germline.
Comment: This sequence change replaces lysine, which is basic and polar, with glutamic acid, which is acidic and polar, at codon 531 of the DYNC1H1 protein (p.Lys531Glu). This variant is not present in population databases (gnomAD no frequency). This variant has not been reported in the literature in individuals affected with DYNC1H1-related conditions. Invitae Evidence Modeling of protein sequence and biophysical properties (such as structural, functional, and spatial information, amino acid conservation, physicochemical variation, residue mobility, and thermodynamic stability) indicates that this missense variant is expected to disrupt DYNC1H1 protein function with a positive predictive value of 95%. In summary, the available evidence is currently insufficient to determine the role of this variant in disease. Therefore, it has been classified as a Variant of Uncertain Significance.